The following is an entry in ClinVar:

ClinVar aggregate classification (germline): Uncertain significance (1 of 4 stars; one submission).

Allele frequency attached by ClinVar (database versions not stated): ExAC 0.00014; gnomAD 0.00023; TOPMed 0.00023; gnomAD exomes 0.00032; ESP Exome Variant Server 0.00046.
gnomAD v4.1: 514 of 1,614,116 alleles (0.032%); highest among the groups gnomAD compares: Non-Finnish European, 0.038%; no homozygotes.

Submission:

Labcorp Genetics (formerly Invitae), Labcorp
Classification: Uncertain significance. Last evaluated: 2023-09-08. Review status: criteria provided, single submitter. Criteria: Invitae Variant Classification Sherloc (09022015). Collection method: clinical testing. Allele origin: germline.
Comment: In summary, the available evidence is currently insufficient to determine the role of this variant in disease. Therefore, it has been classified as a Variant of Uncertain Significance. Advanced modeling of protein sequence and biophysical properties (such as structural, functional, and spatial information, amino acid conservation, physicochemical variation, residue mobility, and thermodynamic stability) performed at Invitae indicates that this missense variant is not expected to disrupt FAT2 protein function. ClinVar contains an entry for this variant (Variation ID: 2203273). This variant has not been reported in the literature in individuals affected with FAT2-related conditions. This variant is present in population databases (rs199601916, gnomAD 0.03%). This sequence change replaces aspartic acid, which is acidic and polar, with glycine, which is neutral and non-polar, at codon 1129 of the FAT2 protein (p.Asp1129Gly).

NM_001447.3(FAT2):c.3386A>G (p.Asp1129Gly)

Gene: FAT2 (FAT atypical cadherin 2; minus strand). Cytogenetic location: 5q33.1.
Variant type: single nucleotide variant.
Coding change: c.3386A>G on transcript NM_001447.3 (MANE Select); coding-DNA position 3386, A replaced by G.
Protein change: p.Asp1129Gly; replaces aspartic acid 1129 with glycine.
Molecular consequence: missense variant.
Genome position (GRCh38, 1-based): chr5:151,563,513, T>C on the plus strand (A>G on the coding strand, the complement: FAT2 is on the minus strand). VCF-style: chr5-151563513-T-C. GRCh37 (hg19) VCF-style: chr5-150943074-T-C.
Other names: short protein forms D1129G.
Identifiers: ClinVar variation 2203273 (VCV002203273.4), dbSNP rs199601916, ClinGen allele CA3521846.
Genomic context (GRCh38, chr5:151,563,513, plus strand): 5'-TCCTCCTGGATGGAGGGGTAGAACACAGCTTGGGACATCTGGGGTGGGTTGTCATTGGCA[T>C]CCGTAACCTCGATGTAGACTTCAGTTACAGAAGAGAGGGGCACAGAACCCCTGTCCACTG-3'
Protein context (NP_001438.1, residues 1119-1139): SVTEVYIEVT[Asp1129Gly]ANDNPPQMSQ